The following is an entry in ClinVar:

NM_001384732.1(CPLANE1):c.7673G>T (p.Ser2558Ile)

Gene: CPLANE1 (ciliogenesis and planar polarity effector complex subunit 1; minus strand). Cytogenetic location: 5p13.2.
Variant type: single nucleotide variant.
Coding change: c.7673G>T on transcript NM_001384732.1 (MANE Select); coding-DNA position 7673, G replaced by T.
Protein change: p.Ser2558Ile; replaces serine 2558 with isoleucine.
Molecular consequence: missense variant.
Genome position (GRCh38, 1-based): chr5:37,162,482, C>A on the plus strand (G>T on the coding strand, the complement: CPLANE1 is on the minus strand). VCF-style: chr5-37162482-C-A. GRCh37 (hg19) VCF-style: chr5-37162584-C-A.
Other names: c.7673G>T, p.Ser2558Ile (NM_023073.4); short protein forms S2558I.
Identifiers: ClinVar variation 1520843 (VCV001520843.8), dbSNP rs868284677, ClinGen allele CA117049579.
Genomic context (GRCh38, chr5:37,162,482, plus strand): 5'-ATCAAAATATATGAATTTTTTTAAAAAGTAAAACAGCATTTACCTGGGTCTGTATTTGTA[C>A]TTGCATCTTGACTTCCTATAGCTTTCTTTTTTACAGAGGCCATGAAATGCAATCCAGCTG-3'
Protein context (NP_001371661.1, residues 2548-2568): KKKAIGSQDA[Ser2558Ile]TNTDPEHEPL

ClinVar aggregate classification (germline): Uncertain significance (1 of 4 stars; one submission).

Allele frequency attached by ClinVar (database versions not stated): gnomAD exomes below 0.00001.
gnomAD v4.1: 1 of 1,608,464 alleles (0.000062%); highest among the groups gnomAD compares: South Asian, 0.0011%; no homozygotes.

Submission:

Labcorp Genetics (formerly Invitae), Labcorp
Classification: Uncertain significance. Last evaluated: 2022-10-24. Review status: criteria provided, single submitter. Criteria: Invitae Variant Classification Sherloc (09022015). Collection method: clinical testing. Allele origin: germline.
Comment: In summary, the available evidence is currently insufficient to determine the role of this variant in disease. Therefore, it has been classified as a Variant of Uncertain Significance. Advanced modeling of protein sequence and biophysical properties (such as structural, functional, and spatial information, amino acid conservation, physicochemical variation, residue mobility, and thermodynamic stability) performed at Invitae indicates that this missense variant is not expected to disrupt CPLANE1 protein function. ClinVar contains an entry for this variant (Variation ID: 1520843). This variant has not been reported in the literature in individuals affected with CPLANE1-related conditions. This variant is not present in population databases (gnomAD no frequency). This sequence change replaces serine, which is neutral and polar, with isoleucine, which is neutral and non-polar, at codon 2558 of the CPLANE1 protein (p.Ser2558Ile).